The following is an entry in ClinVar:

NM_181486.4(TBX5):c.269_275dup (p.Leu94fs)

Gene: TBX5 (T-box transcription factor 5; minus strand). Cytogenetic location: 12q24.21.
Variant type: Duplication.
Coding change: c.269_275dup on transcript NM_181486.4 (MANE Select); coding-DNA positions 269 to 275, 7 bases duplicated (AGGTGAC; older notation c.269_275dupAGGTGAC).
Protein change: p.Leu94fs; shifts the reading frame from leucine 94.
Molecular consequence: frameshift variant.
Genome position (GRCh38, 1-based): chr12:114,399,600-114,399,606, GTCACCT duplicated on the plus strand (AGGTGAC on the coding strand, the reverse complement: TBX5 is on the minus strand). VCF-style (leftmost placement, unchanged base first): chr12-114399599-C-CGTCACCT. GRCh37 (hg19) VCF-style: chr12-114837404-C-CGTCACCT.
Other names: c.269_275dup, p.Leu94fs (NM_000192.3); c.119_125dup, p.Leu44fs (NM_080717.4); c.269_275dup7 (NM_000192.3); short protein forms L44fs, L94fs.
Identifiers: ClinVar variation 3344402 (VCV003344402.2).

ClinVar aggregate classification (germline): Pathogenic. Review status: criteria provided, single submitter (1 of 4 stars). 2 submissions from 2 submitters: Pathogenic (1). 1 of the submissions does not count toward it. Last evaluated 2025-11-12.

Conditions:
TBX5-related disorder. Also called: TBX5-related condition.
Aortic valve disease 2 (AOVD2). Identifiers: MedGen C3542024, MONDO:0013902, OMIM 614823.

Submissions (2):

Labcorp Genetics (formerly Invitae), Labcorp
Classification: Pathogenic for Aortic valve disease 2. Last evaluated: 2025-11-12. Review status: criteria provided, single submitter. Criteria: Invitae Variant Classification Sherloc (09022015). Collection method: clinical testing. Allele origin: germline.
Comment: This sequence change creates a premature translational stop signal (p.Leu94Aspfs*4) in the TBX5 gene. It is expected to result in an absent or disrupted protein product. Loss-of-function variants in TBX5 are known to be pathogenic (PMID: 16183809, 16917909). This variant is not present in population databases (gnomAD no frequency). This variant has not been reported in the literature in individuals affected with TBX5-related conditions. ClinVar contains an entry for this variant (Variation ID: 3344402). For these reasons, this variant has been classified as Pathogenic.

PreventionGenetics, part of Exact Sciences
Classification: Pathogenic for TBX5-related condition. Last evaluated: 2024-09-20. Review status: no assertion criteria provided. Collection method: clinical testing. Allele origin: germline. Not counted in ClinVar's aggregate classification.
Comment: The TBX5 c.269_275dup7 variant is predicted to result in a frameshift and premature protein termination (p.Leu94Aspfs*4). This variant has been reported in an individual with Holt-Oram syndrome (Yang et al. 2010. DOI 10.2310/JIM.0b013e3181cde509). This variant has not been reported in a large population database, indicating this variant is rare. Frameshift variants in TBX5 are expected to be pathogenic. This variant is interpreted as pathogenic.

Literature cited by the submitters: PubMed 16183809 (cited by Labcorp Genetics (formerly Invitae), Labcorp); PubMed 16917909 (cited by Labcorp Genetics (formerly Invitae), Labcorp).